The following is an entry in ClinVar:

NM_130839.5(UBE3A):c.36G>A (p.Gln12=)

Genes: SNHG14 (small nucleolar RNA host gene 14; plus strand), UBE3A (ubiquitin protein ligase E3A; minus strand). Cytogenetic location: 15q11.2.
Variant type: single nucleotide variant.
Coding change: c.36G>A on transcript NM_130839.5 (MANE Select); coding-DNA position 36, G replaced by A.
Protein change: p.Gln12=; no amino-acid change (glutamine 12 retained).
Molecular consequence: synonymous variant. On other transcripts: 5 prime UTR variant (21), non-coding transcript variant (1), intron variant (1).
Genome position (GRCh38, 1-based): chr15:25,405,487, C>T on the plus strand (G>A on the coding strand, the complement: UBE3A is on the minus strand). VCF-style: chr15-25405487-C-T. GRCh37 (hg19) VCF-style: chr15-25650634-C-T.
Other names: c.45G>A, p.Gln15= (NM_000462.5); c.36G>A, p.Gln12= (NM_001354505.1, NM_001354538.2, NM_001354545.2 and 1 more transcripts); c.-25G>A (NM_001354506.2, NM_001354507.2, NM_001354508.2 and 17 more transcripts); c.-138G>A (NM_001354523.2); c.-115-29724G>A (NM_001354546.2).
Identifiers: ClinVar variation 4985593 (VCV004985593.1).

ClinVar aggregate classification (germline): Likely benign (1 of 4 stars; one submission).

Conditions:
UBE3A-related disorder. Also called: UBE3A-related condition.

Submission:

PreventionGenetics, part of Exact Sciences
Classification: Likely benign for UBE3A-related condition. Last evaluated: 2026-09-04. Review status: criteria provided, single submitter. Criteria: ACMG Guidelines, 2015. Collection method: clinical testing. Allele origin: germline.
Comment: This variant is classified as likely benign based on ACMG/AMP sequence variant interpretation guidelines (Richards et al. 2015 PMID: 25741868, with internal and published modifications).